The following is an entry in ClinVar:

NM_032776.3(JMJD1C):c.1732A>G (p.Ser578Gly)

Gene: JMJD1C (jumonji domain containing 1C; minus strand). Cytogenetic location: 10q21.3.
Variant type: single nucleotide variant.
Coding change: c.1732A>G on transcript NM_032776.3 (MANE Select); coding-DNA position 1732, A replaced by G.
Protein change: p.Ser578Gly; replaces serine 578 with glycine.
Molecular consequence: missense variant. On other transcripts: non-coding transcript variant (1).
Genome position (GRCh38, 1-based): chr10:63,214,435, T>C on the plus strand (A>G on the coding strand, the complement: JMJD1C is on the minus strand). VCF-style: chr10-63214435-T-C. GRCh37 (hg19) VCF-style: chr10-64974195-T-C.
Other names: c.1186A>G, p.Ser396Gly (NM_001282948.2, NM_001318154.2); c.868A>G, p.Ser290Gly (NM_001318153.2); c.1618A>G, p.Ser540Gly (NM_001322252.2); c.1075A>G, p.Ser359Gly (NM_001322254.2, NM_001322258.2); short protein forms S359G, S578G, S540G, S290G, S396G.
Identifiers: ClinVar variation 952245 (VCV000952245.9), dbSNP rs1564621824, ClinGen allele CA377047939.

ClinVar aggregate classification (germline): Uncertain significance (1 of 4 stars; one submission).

Conditions:
Early Myoclonic Encephalopathy. Identifiers: MedGen C0270855.

gnomAD v4.1: 3 of 1,613,876 alleles (0.00019%); highest among the groups gnomAD compares: East Asian, 0.0022%; no homozygotes.

Submission:

Labcorp Genetics (formerly Invitae), Labcorp
Classification: Uncertain significance for Early Myoclonic Encephalopathy. Last evaluated: 2020-03-05. Review status: criteria provided, single submitter. Criteria: Invitae Variant Classification Sherloc (09022015). Collection method: clinical testing. Allele origin: germline.
Comment: This variant has not been reported in the literature in individuals with JMJD1C-related conditions. This variant is not present in population databases (ExAC no frequency). This sequence change replaces serine with glycine at codon 578 of the JMJD1C protein (p.Ser578Gly). The serine residue is weakly conserved and there is a small physicochemical difference between serine and glycine. Algorithms developed to predict the effect of missense changes on protein structure and function output the following: SIFT: "Tolerated"; PolyPhen-2: "Benign"; Align-GVGD: "Class C0". The glycine amino acid residue is found in multiple mammalian species, suggesting that this missense change does not adversely affect protein function. These predictions have not been confirmed by published functional studies and their clinical significance is uncertain. In summary, the available evidence is currently insufficient to determine the role of this variant in disease. Therefore, it has been classified as a Variant of Uncertain Significance. Algorithms developed to predict the effect of sequence changes on RNA splicing suggest that this variant may create or strengthen a splice site, but this prediction has not been confirmed by published transcriptional studies.